The following is an entry in ClinVar:

NM_153717.3(EVC):c.341C>T (p.Ala114Val)

Gene: EVC (EvC ciliary complex subunit 1; plus strand). Cytogenetic location: 4p16.2.
Variant type: single nucleotide variant.
Coding change: c.341C>T on transcript NM_153717.3 (MANE Select); coding-DNA position 341, C replaced by T.
Protein change: p.Ala114Val; replaces alanine 114 with valine.
Molecular consequence: missense variant.
Genome position (GRCh38, 1-based): chr4:5,729,347, C>T. VCF-style: chr4-5729347-C-T. GRCh37 (hg19) VCF-style: chr4-5731074-C-T.
Other names: c.341C>T, p.Ala114Val (NM_001306090.2, NM_001306092.2); short protein forms A114V.
Identifiers: ClinVar variation 262779 (VCV000262779.21), dbSNP rs16837598, ClinGen allele CA2835652.

ClinVar aggregate classification (germline): Benign/Likely benign. Review status: criteria provided, multiple submitters, no conflicts (2 of 4 stars). 8 submissions from 8 submitters: Benign (6); Likely benign (1). 1 of the submissions does not count toward it. Last evaluated 2026-05-09.

Conditions:
Ellis-van Creveld syndrome (EVC). Also called: MESOECTODERMAL DYSPLASIA; Chondroectodermal dysplasia. Identifiers: Orphanet 289, MedGen C0013903, MONDO:0009162, OMIM 225500.
Curry-Hall syndrome (WAD). Also called: WEYERS ACRODENTAL DYSOSTOSIS. Identifiers: Orphanet 952, MedGen C0457013, MONDO:0008673, OMIM 193530.

Allele frequency attached by ClinVar (database versions not stated): ESP Exome Variant Server 0.06305; 1000 Genomes Project 0.06350; gnomAD 0.05943 and 0.05583; ExAC 0.02361; TOPMed 0.06269; 1000 Genomes Project 30x 0.06683; gnomAD exomes 0.01002 and 0.01968.
gnomAD v4.1: 23,594 of 1,614,036 alleles (1.5%); highest among the groups gnomAD compares: African/African-American, 18%; 1,456 homozygotes.

Submissions (8):

Women's Health and Genetics/Laboratory Corporation of America, LabCorp
Classification: Likely benign. Last evaluated: 2026-05-09. Review status: criteria provided, single submitter. Criteria: LabCorp Variant Classification Summary - May 2015. Collection method: clinical testing. Allele origin: germline.

Labcorp Genetics (formerly Invitae), Labcorp
Classification: Benign for Curry-Hall syndrome; Ellis-van Creveld syndrome. Last evaluated: 2026-02-04. Review status: criteria provided, single submitter. Criteria: Invitae Variant Classification Sherloc (09022015). Collection method: clinical testing. Allele origin: germline.

Pars Genome Lab
Classification: Benign for Ellis-van Creveld syndrome. Last evaluated: 2021-06-15. Review status: criteria provided, single submitter. Criteria: ACMG Guidelines, 2015. Collection method: clinical testing. Allele origin: germline. Affected: no.

Illumina Laboratory Services, Illumina
Classification: Benign for Ellis-van Creveld syndrome. Last evaluated: 2018-01-12. Review status: criteria provided, single submitter. Criteria: ICSL Variant Classification Criteria 13 December 2019. Collection method: clinical testing. Allele origin: germline.
Comment: This variant was observed in the ICSL laboratory as part of a predisposition screen in an ostensibly healthy population. It had not been previously curated by ICSL or reported in the Human Gene Mutation Database (HGMD: prior to June 1st, 2018), and was therefore a candidate for classification through an automated scoring system. Utilizing variant allele frequency, disease prevalence and penetrance estimates, and inheritance mode, an automated score was calculated to assess if this variant is too frequent to cause the disease. Based on the score and internal cut-off values, a variant classified as benign is not then subjected to further curation. The score for this variant resulted in a classification of benign for this disease.

GeneDx
Classification: Benign. Last evaluated: 2016-05-27. Review status: criteria provided, single submitter. Criteria: GeneDx Variant Classification (06012015). Collection method: clinical testing. Allele origin: germline. Affected: yes.
Comment: This variant is considered likely benign or benign based on one or more of the following criteria: it is a conservative change, it occurs at a poorly conserved position in the protein, it is predicted to be benign by multiple in silico algorithms, and/or has population frequency not consistent with disease.

Breakthrough Genomics
Classification: Benign. Review status: criteria provided, single submitter. Criteria: ACMG Guidelines, 2015. Collection method: not provided. Allele origin: germline. Inheritance: Autosomal recessive inheritance. Affected: yes.

PreventionGenetics, part of Exact Sciences
Classification: Benign. Review status: criteria provided, single submitter. Criteria: ACMG Guidelines, 2015. Collection method: clinical testing. Allele origin: germline.

Natera, Inc.
Classification: Benign for Ellis-van Creveld syndrome. Last evaluated: 2020-09-16. Review status: no assertion criteria provided. Collection method: clinical testing. Allele origin: germline. Not counted in ClinVar's aggregate classification.